The following is an entry in ClinVar:

NM_001267550.2(TTN):c.4560C>A (p.Ala1520=)

Genes: TTN (titin; minus strand), LOC101927055 (uncharacterized LOC101927055; plus strand). Cytogenetic location: 2q31.2.
Variant type: single nucleotide variant.
Coding change: c.4560C>A on transcript NM_001267550.2 (MANE Select); coding-DNA position 4560, C replaced by A.
Protein change: p.Ala1520=; no amino-acid change (alanine 1520 retained).
Molecular consequence: synonymous variant. On other transcripts: non-coding transcript variant (1).
Genome position (GRCh38, 1-based): chr2:178,777,505, G>T on the plus strand (C>A on the coding strand, the complement: TTN is on the minus strand). VCF-style: chr2-178777505-G-T. GRCh37 (hg19) VCF-style: chr2-179642232-G-T.
Other names: c.4560C>A, p.Ala1520= (NM_001256850.1, NM_133378.4, NM_133379.5); c.4422C>A, p.Ala1474= (NM_003319.4, NM_133432.3, NM_133437.4).
Identifiers: ClinVar variation 513907 (VCV000513907.1), dbSNP rs1554009279, ClinGen allele CA430281567.
Genomic context (GRCh38, chr2:178,777,505, plus strand): 5'-TGAAGATCTGCCTGCCCTGTTTTGGGCAACCACAGTCCATTCCCCAGAATCACTGGGTGT[G>T]GCAGGGACAATAATTAGTGATTGAGTACCATCTTCTTTAATGACTACTTTATGGGTATAG-3'
Protein context (NP_001254479.2, residues 1510-1530): DGTQSLIIVP[Ala1520=]TPSDSGEWTV

ClinVar aggregate classification (germline): Likely benign (1 of 4 stars; one submission).

Submission:

GeneDx
Classification: Likely benign. Last evaluated: 2017-11-29. Review status: criteria provided, single submitter. Criteria: GeneDx Variant Classification (06012015). Collection method: clinical testing. Allele origin: germline. Affected: yes.
Comment: This variant is considered likely benign or benign based on one or more of the following criteria: it is a conservative change, it occurs at a poorly conserved position in the protein, it is predicted to be benign by multiple in silico algorithms, and/or has population frequency not consistent with disease.